The following is an entry in ClinVar:

NM_000424.4(KRT5):c.982G>C (p.Asp328His)

Gene: KRT5 (keratin 5; minus strand). Cytogenetic location: 12q13.13.
Variant type: single nucleotide variant.
Coding change: c.982G>C on transcript NM_000424.4 (MANE Select); coding-DNA position 982, G replaced by C.
Protein change: p.Asp328His; replaces aspartic acid 328 with histidine.
Molecular consequence: missense variant.
Genome position (GRCh38, 1-based): chr12:52,517,700, C>G on the plus strand (G>C on the coding strand, the complement: KRT5 is on the minus strand). VCF-style: chr12-52517700-C-G. GRCh37 (hg19) VCF-style: chr12-52911484-C-G.
Other names: short protein forms D328H.
Identifiers: ClinVar variation 66291 (VCV000066291.3), dbSNP rs56790237, ClinGen allele CA216804.

ClinVar aggregate classification (germline): Likely pathogenic. Review status: criteria provided, single submitter (1 of 4 stars). 2 submissions from 2 submitters: Likely pathogenic (1). 1 of the submissions does not count toward it. Last evaluated 2025-03-07.

Submissions (2):

Labcorp Genetics (formerly Invitae), Labcorp
Classification: Likely pathogenic. Last evaluated: 2025-03-07. Review status: criteria provided, single submitter. Criteria: Invitae Variant Classification Sherloc (09022015). Collection method: clinical testing. Allele origin: germline.
Comment: This sequence change replaces aspartic acid, which is acidic and polar, with histidine, which is basic and polar, at codon 328 of the KRT5 protein (p.Asp328His). This variant is not present in population databases (gnomAD no frequency). This missense change has been observed in individuals with autosomal dominant epidermolysis bullosa simplex (PMID: 9804357, 16786515). This variant has been reported in individual(s) with autosomal recessive epidermolysis bullosa simplex (PMID: 20199538); however, the role of the variant in this condition is currently unclear. ClinVar contains an entry for this variant (Variation ID: 66291). Invitae Evidence Modeling of protein sequence and biophysical properties (such as structural, functional, and spatial information, amino acid conservation, physicochemical variation, residue mobility, and thermodynamic stability) has been performed for this missense variant. However, the output from this modeling did not meet the statistical confidence thresholds required to predict the impact of this variant on KRT5 protein function. Experimental studies have shown that this missense change affects KRT5 function (PMID: 15647384). This variant disrupts the p.Asp328 amino acid residue in KRT5. Other variant(s) that disrupt this residue have been observed in individuals with KRT5-related conditions (PMID: 8595431, 10782015), which suggests that this may be a clinically significant amino acid residue. In summary, the currently available evidence indicates that the variant is pathogenic, but additional data are needed to prove that conclusively. Therefore, this variant has been classified as Likely Pathogenic.

Epithelial Biology;  Institute of Medical Biology, Singapore
No classification provided. Review status: no classification provided. Collection method: not provided. Allele origin: not provided. Not counted in ClinVar's aggregate classification.

Literature cited by the submitters: PubMed 9804357 (cited by Labcorp Genetics (formerly Invitae), Labcorp); PubMed 16786515 (cited by Labcorp Genetics (formerly Invitae), Labcorp); PubMed 20199538 (cited by Labcorp Genetics (formerly Invitae), Labcorp); PubMed 15647384 (cited by Labcorp Genetics (formerly Invitae), Labcorp); PubMed 8595431 (cited by Labcorp Genetics (formerly Invitae), Labcorp); PubMed 10782015 (cited by Labcorp Genetics (formerly Invitae), Labcorp).